The following is an entry in ClinVar:

ClinVar aggregate classification (germline): Uncertain significance (1 of 4 stars; one submission).

Submission:

GeneDx
Classification: Uncertain significance. Last evaluated: 2019-05-03. Review status: criteria provided, single submitter. Criteria: GeneDx Variant Classification Process June 2021. Collection method: clinical testing. Allele origin: germline. Affected: yes.
Comment: Not observed in large population cohorts (Lek et al., 2016); In silico analysis, which includes protein predictors and evolutionary conservation, supports that this variant does not alter protein structure/function; Has not been previously published as pathogenic or benign to our knowledge

NM_001148.6(ANK2):c.5665A>G (p.Arg1889Gly)

Genes: ANK2 (ankyrin 2; plus strand), LOC126807136 (MED14-independent group 3 enhancer GRCh37_chr4:114274931-114276130; plus strand). Cytogenetic location: 4q26.
Variant type: single nucleotide variant.
Coding change: c.5665A>G on transcript NM_001148.6 (MANE Select); coding-DNA position 5665, A replaced by G.
Protein change: p.Arg1889Gly; replaces arginine 1889 with glycine.
Molecular consequence: missense variant. On other transcripts: intron variant (68).
Genome position (GRCh38, 1-based): chr4:113,354,283, A>G. VCF-style: chr4-113354283-A-G. GRCh37 (hg19) VCF-style: chr4-114275439-A-G.
Other names: c.5431A>G, p.Arg1811Gly (NM_001386142.1); c.2065A>G, p.Arg689Gly (NM_001386166.1); c.5806A>G, p.Arg1936Gly (NM_001386174.1); c.5782A>G, p.Arg1928Gly (NM_001386175.1); c.4411+4034A>G (NM_001386186.2, NM_001386148.2); c.4213+4034A>G (NM_001354269.3); c.4291+4034A>G (NM_001386187.2); c.4252+4034A>G (NM_001386147.1); and 35 more; short protein forms R1811G, R1889G, R1928G, R1936G, R689G.
Identifiers: ClinVar variation 1218616 (VCV001218616.3), dbSNP rs2154020406, ClinGen allele CA357920788.